The following is an entry in ClinVar:

NM_001017974.2(P4HA2):c.82+4C>T

Gene: P4HA2 (prolyl 4-hydroxylase subunit alpha 2; minus strand). Cytogenetic location: 5q31.1.
Variant type: single nucleotide variant.
Coding change: c.82+4C>T on transcript NM_001017974.2 (MANE Select); 4 bases into the intron after coding-DNA position 82, C replaced by T.
Molecular consequence: intron variant.
Genome position (GRCh38, 1-based): chr5:132,218,541, G>A on the plus strand (C>T on the coding strand, the complement: P4HA2 is on the minus strand). VCF-style: chr5-132218541-G-A. GRCh37 (hg19) VCF-style: chr5-131554234-G-A.
Other names: c.82+4C>T (NM_001365681.2, NM_001365677.2, NM_001142599.2 and 5 more transcripts).
Identifiers: ClinVar variation 791139 (VCV000791139.4), dbSNP rs139531777, ClinGen allele CA3402862.

ClinVar aggregate classification (germline): Benign. Review status: criteria provided, single submitter (1 of 4 stars). 2 submissions from 2 submitters: Benign (1). 1 of the submissions does not count toward it. Last evaluated 2018-01-19.

Conditions:
P4HA2-related disorder. Also called: P4HA2-related condition.

Allele frequency attached by ClinVar (database versions not stated): ExAC 0.00101; gnomAD 0.00314 and 0.00335; TOPMed 0.00347; 1000 Genomes Project 0.00379; ESP Exome Variant Server 0.00384; 1000 Genomes Project 30x 0.00422.

Submissions (2):

Labcorp Genetics (formerly Invitae), Labcorp
Classification: Benign. Last evaluated: 2018-01-19. Review status: criteria provided, single submitter. Criteria: Invitae Variant Classification Sherloc (09022015). Collection method: clinical testing. Allele origin: germline.

PreventionGenetics, part of Exact Sciences
Classification: Benign for P4HA2-related condition. Last evaluated: 2024-06-25. Review status: no assertion criteria provided. Collection method: clinical testing. Allele origin: germline. Not counted in ClinVar's aggregate classification.
Comment: This variant is classified as benign based on ACMG/AMP sequence variant interpretation guidelines (Richards et al. 2015 PMID: 25741868, with internal and published modifications).